The following is an entry in ClinVar:

ClinVar aggregate classification (germline): Uncertain significance. Review status: criteria provided, multiple submitters, no conflicts (2 of 4 stars). 4 submissions from 4 submitters: Uncertain significance (4). Last evaluated 2023-05-03.

Conditions:
PYCR1-related disorder. Also called: PYCR1-related condition.
PYCR1-related de Barsy syndrome. Also called: CUTIS LAXA, AUTOSOMAL RECESSIVE, TYPE IIIB; DE BARSY SYNDROME B. Identifiers: Orphanet 293633, Orphanet 2962, MedGen C3280799, MONDO:0013755, OMIM 614438.
Autosomal recessive cutis laxa type 2B (ARCL2B). Also called: CUTIS LAXA, AUTOSOMAL RECESSIVE, TYPE IIB; CUTIS LAXA WITH PROGEROID FEATURES. Identifiers: Orphanet 357064, MedGen C2751987, MONDO:0013051, OMIM 612940. Disease mechanism: loss of function.
Cutis laxa. Identifiers: Orphanet 209, MedGen C0010495, MONDO:0016175, HP:0000973.

Allele frequency attached by ClinVar (database versions not stated): gnomAD exomes 0.00014; TOPMed 0.00016; ExAC 0.00023; ESP Exome Variant Server 0.00015; gnomAD 0.00013.
gnomAD v4.1: 400 of 1,581,182 alleles (0.025%); highest among the groups gnomAD compares: Non-Finnish European, 0.033%; no homozygotes.

Submissions (4):

Department of Pathology and Laboratory Medicine, Sinai Health System
Classification: Uncertain significance for Autosomal recessive cutis laxa type 2B; PYCR1-related de Barsy syndrome. Last evaluated: 2023-05-03. Review status: criteria provided, single submitter. Criteria: ACMG Guidelines, 2015. Collection method: research. Allele origin: germline.

PreventionGenetics, part of Exact Sciences
Classification: Uncertain significance for PYCR1-related condition. Last evaluated: 2022-09-23. Review status: criteria provided, single submitter. Criteria: ACMG Guidelines, 2015. Collection method: clinical testing. Allele origin: germline.
Comment: The PYCR1 c.35-1G>C variant is predicted to disrupt the AG splice acceptor site and interfere with normal splicing. In an alternate transcript (NM_006907.3), this variant is found in a non-coding region (c.-48G>C). To our knowledge, this variant has not been reported in the literature. This variant is reported in 0.027% of alleles in individuals of European (Non-Finnish) descent in gnomAD. At this time, the clinical significance of this variant is uncertain due to the absence of conclusive functional and genetic evidence.

Illumina Laboratory Services, Illumina
Classification: Uncertain significance for Cutis laxa. Last evaluated: 2018-01-13. Review status: criteria provided, single submitter. Criteria: ICSL Variant Classification Criteria 13 December 2019. Collection method: clinical testing. Allele origin: germline.

GeneDx
Classification: Uncertain significance. Last evaluated: 2017-11-28. Review status: criteria provided, single submitter. Criteria: GeneDx Variant Classification (06012015). Collection method: clinical testing. Allele origin: germline. Affected: yes.
Comment: A variant of uncertain significance has been identified in the PYCR1 gene. The c.-48 G>C variant has not been published as pathogenic or been reported as benign to our knowledge. This variant is observed in 24/95182 (0.025%) alleles from individuals of European (non-Finnish) ancestry in large population cohorts (Lek et al., 2016). In-silico splice prediction analyses predict that this variant does not impact splicing; however, in the absence of RNA/functional studies, the actual effect of this sequence change is unknown. This nucleotide substitution occurs at a position that is conserved across species. Finally, the c.-48 G>C variant is located in the 5' untranslated region and no variants in the regulatory region of the PYCR1 gene have been reported in association with cutis laxa in HGMD (Stenson et al., 2014).

NM_006907.4(PYCR1):c.-48G>C

Gene: PYCR1 (pyrroline-5-carboxylate reductase 1; minus strand). Cytogenetic location: 17q25.3.
Variant type: single nucleotide variant.
Coding change: c.-48G>C on transcript NM_006907.4 (MANE Select); 48 bases upstream of the start codon, G replaced by C.
Molecular consequence: 5 prime UTR variant. On other transcripts: splice acceptor variant (4).
Genome position (GRCh38, 1-based): chr17:81,936,862, C>G on the plus strand (G>C on the coding strand, the complement: PYCR1 is on the minus strand). VCF-style: chr17-81936862-C-G. GRCh37 (hg19) VCF-style: chr17-79894738-C-G.
Other names: c.-48G>C (NM_153824.3); c.-47-1G>C (NM_001282279.2, NM_001330523.2, NM_001282280.2); c.35-1G>C (NM_001282281.2, NM_001282281.1).
Identifiers: ClinVar variation 325920 (VCV000325920.8), dbSNP rs376495113, ClinGen allele CA8845627.
Genomic context (GRCh38, chr17:81,936,862, plus strand): 5'-AGCCCACGCTCATGCTGTCCGGAGACCCCTGGCCCAAAGCCCCCACAGATGGCACCGGCT[C>G]TGCGGGACGAGACCGGCAGGATCGAGAGCAAGTTAGGGGGGCAGTGCCAGCCTGGCCGCT-3'